The following is an entry in ClinVar:

NM_000512.5(GALNS):c.1140G>C (p.Arg380Ser)

Gene: GALNS (galactosamine (N-acetyl)-6-sulfatase; minus strand). Cytogenetic location: 16q24.3.
Variant type: single nucleotide variant.
Coding change: c.1140G>C on transcript NM_000512.5 (MANE Select); coding-DNA position 1140, G replaced by C.
Protein change: p.Arg380Ser; replaces arginine 380 with serine.
Molecular consequence: missense variant.
Genome position (GRCh38, 1-based): chr16:88,824,869, C>G on the plus strand (G>C on the coding strand, the complement: GALNS is on the minus strand). VCF-style: chr16-88824869-C-G. GRCh37 (hg19) VCF-style: chr16-88891277-C-G.
Other names: c.585G>C, p.Arg195Ser (NM_001323543.2); c.1158G>C, p.Arg386Ser (NM_001323544.2); short protein forms R195S, R380S, R386S.
Identifiers: ClinVar variation 4886918 (VCV004886918.1).

ClinVar aggregate classification (germline): Likely pathogenic (1 of 4 stars; one submission).

Conditions:
Mucopolysaccharidosis, MPS-IV-A (MPS4A). Also called: GALACTOSAMINE-6-SULFATASE DEFICIENCY; GALNS DEFICIENCY; MORQUIO A DISEASE; Morquio syndrome A, mild; MORQUIO SYNDROME A; mucopolysaccharidosis type 4A. Identifiers: Orphanet 309297, Orphanet 582, MedGen C0086651, MONDO:0009659, OMIM 253000.

gnomAD v4.1: 1 of 1,612,774 alleles (0.000062%); highest among the groups gnomAD compares: South Asian, 0.0011%; no homozygotes.

Submission:

Kasturba Medical College, Manipal, Kasturba Medical College, Manipal, Manipal Academy of Higher Education, Manipal, India
Classification: Likely pathogenic for Mucopolysaccharidosis, MPS-IV-A. Last evaluated: 2026-08-12. Review status: criteria provided, single submitter. Criteria: ACMG Guidelines, 2015. Collection method: research. Allele origin: paternal. Inheritance: Autosomal recessive inheritance. Affected: yes. Observed: 1 variant allele, 1 heterozygote.
Comment: The missense variant, c. This variant is present in one individual in heterozygous state and absent in homozygous state in gnomAD (v4.1.0). This variant is absent in heterozygous and/or in homozygous state in our in-house database of 4376 exomes. In-silico analysis tools (REVEL, CADD_phred) predict the variant as disease-causing and likely to affect the GALNS function. A different nucleotide change with the same amino acid change, c.1140G>T p. (Arg380Ser) has been previously reported and has shown to markedly reduce GALNS enzyme activity [Tomatsu et al., 2004].

Literature cited by the submitters: PubMed 15309681.